The following is an entry in ClinVar:

NM_014244.5(ADAMTS2):c.20_22delinsACAGT (p.Ala7fs)

Gene: ADAMTS2 (ADAM metallopeptidase with thrombospondin type 1 motif 2; minus strand). Cytogenetic location: 5q35.3.
Variant type: Indel.
Coding change: c.20_22delinsACAGT on transcript NM_014244.5 (MANE Select); coding-DNA positions 20 to 22, CCG replaced by ACAGT.
Protein change: p.Ala7fs; shifts the reading frame from alanine 7.
Molecular consequence: frameshift variant.
Genome position (GRCh38, 1-based): chr5:179,345,307-179,345,309, CGG replaced by ACTGT on the plus strand (CCG replaced by ACAGT on the coding strand, the reverse complement: ADAMTS2 is on the minus strand). VCF-style: chr5-179345307-CGG-ACTGT. GRCh37 (hg19) VCF-style: chr5-178772308-CGG-ACTGT.
Other names: c.20_22delinsACAGT, p.Ala7fs (NM_021599.4); short protein forms A7fs.
Identifiers: ClinVar variation 5010791 (VCV005010791.1).

ClinVar aggregate classification (germline): Pathogenic (1 of 4 stars; one submission).

Conditions:
Ehlers-Danlos syndrome, dermatosparaxis type. Also called: EDS VIIC; Dermatosparaxis; Ehlers-Danlos syndrome, type VII, autosomal recessive. Identifiers: Orphanet 1901, MedGen C2700425, MONDO:0009161, OMIM 225410.

Submission:

Myriad Genetics, Inc.
Classification: Pathogenic for Ehlers-Danlos syndrome, dermatosparaxis type. Last evaluated: 2024-05-14. Review status: criteria provided, single submitter. Criteria: Myriad Autosomal Dominant, Autosomal Recessive and X-Linked Classification Criteria (2023). Collection method: clinical testing. Allele origin: unknown.
Comment: NM_014244.4(ADAMTS2):c.20_22del3ins5(A7Dfs*159) is expected to be pathogenic in the context of Ehlers-Danlos syndrome, ADAMTS2-related. This variant is predicted to lead to an abnormal or absent protein product due to the creation of a premature termination codon in ADAMTS2, a gene where loss-of-function variants are known to be pathogenic. Please note: this variant was assessed in the context of healthy population screening.